The following is an entry in ClinVar:

ClinVar aggregate classification (germline): Uncertain significance (1 of 4 stars; one submission).

Allele frequency attached by ClinVar (database versions not stated): TOPMed below 0.00001; ExAC 0.00001; gnomAD 0.00001; gnomAD exomes 0.00001.
gnomAD v4.1: 16 of 1,610,088 alleles (0.00099%); highest among the groups gnomAD compares: East Asian, 0.031%; no homozygotes.

Submission:

Labcorp Genetics (formerly Invitae), Labcorp
Classification: Uncertain significance. Last evaluated: 2022-11-24. Review status: criteria provided, single submitter. Criteria: Invitae Variant Classification Sherloc (09022015). Collection method: clinical testing. Allele origin: germline.
Comment: This sequence change replaces methionine, which is neutral and non-polar, with valine, which is neutral and non-polar, at codon 92 of the IFT88 protein (p.Met92Val). In summary, the available evidence is currently insufficient to determine the role of this variant in disease. Therefore, it has been classified as a Variant of Uncertain Significance. Algorithms developed to predict the effect of missense changes on protein structure and function output the following: SIFT: "Not Available"; PolyPhen-2: "Benign"; Align-GVGD: "Not Available". The valine amino acid residue is found in multiple mammalian species, which suggests that this missense change does not adversely affect protein function. This variant has not been reported in the literature in individuals affected with IFT88-related conditions. This variant is present in population databases (rs201782733, gnomAD 0.006%).

NM_006531.5(IFT88):c.247A>G (p.Met83Val)

Gene: IFT88 (intraflagellar transport 88; plus strand). Cytogenetic location: 13q12.11.
Variant type: single nucleotide variant.
Coding change: c.247A>G on transcript NM_006531.5 (MANE Select); coding-DNA position 247, A replaced by G.
Protein change: p.Met83Val; replaces methionine 83 with valine.
Molecular consequence: missense variant. On other transcripts: 5 prime UTR variant (1), non-coding transcript variant (5).
Genome position (GRCh38, 1-based): chr13:20,591,003, A>G. VCF-style: chr13-20591003-A-G. GRCh37 (hg19) VCF-style: chr13-21165142-A-G.
Other names: c.274A>G, p.Met92Val (NM_001353567.2, NM_001353569.2, NM_001353570.2 and 6 more transcripts); c.247A>G, p.Met83Val (NM_001353568.2, NM_001353571.2, NM_001353572.2 and 1 more transcripts); c.190A>G, p.Met64Val (NM_001353573.2, NM_001353574.2, NM_001353575.2 and 1 more transcripts); c.-317A>G (NM_001353579.2); short protein forms M64V, M83V, M92V.
Identifiers: ClinVar variation 2991251 (VCV002991251.3), dbSNP rs201782733, ClinGen allele CA6905004.
Genomic context (GRCh38, chr13:20,591,003, plus strand): 5'-TAACTTAACTTTTCTGTTTACTAGTCCAAGACATCTCTGGCATCATCAATAGGAAGACCA[A>G]TGACAGGGGCTATTCAGGTATCTCTATTGGATGCATGTTCATTTTGTGCCTTTCTTGTGA-3'
Protein context (NP_006522.2, residues 73-93): TSLASSIGRP[Met83Val]TGAIQDGVTR